The following is an entry in ClinVar:

NM_000093.5(COL5A1):c.388C>A (p.Leu130Met)

Gene: COL5A1 (collagen type V alpha 1 chain; plus strand). Cytogenetic location: 9q34.3.
Variant type: single nucleotide variant.
Coding change: c.388C>A on transcript NM_000093.5 (MANE Select); coding-DNA position 388, C replaced by A.
Protein change: p.Leu130Met; replaces leucine 130 with methionine.
Molecular consequence: missense variant.
Genome position (GRCh38, 1-based): chr9:134,700,019, C>A. VCF-style: chr9-134700019-C-A. GRCh37 (hg19) VCF-style: chr9-137591865-C-A.
Other names: c.388C>A, p.Leu130Met (NM_001278074.1); short protein forms L130M.
Identifiers: ClinVar variation 4801880 (VCV004801880.1).

ClinVar aggregate classification (germline): Uncertain significance (1 of 4 stars; one submission).

Conditions:
Ehlers-Danlos syndrome, classic type, 1 (EDSCL1). Also called: EHLERS-DANLOS SYNDROME, GRAVIS TYPE; EHLERS-DANLOS SYNDROME, SEVERE CLASSIC TYPE; Ehlers-Danlos syndrome, type 1; Ehlers-Danlos Syndrome, Classic Type, COL5A1-Related; EDS I. Identifiers: MedGen C0268335, MONDO:0019567, OMIM 130000.

Submission:

Labcorp Genetics (formerly Invitae), Labcorp
Classification: Uncertain significance for Ehlers-Danlos syndrome, classic type, 1. Last evaluated: 2025-11-08. Review status: criteria provided, single submitter. Criteria: Invitae Variant Classification Sherloc (09022015). Collection method: clinical testing. Allele origin: germline.
Comment: This sequence change replaces leucine, which is neutral and non-polar, with methionine, which is neutral and non-polar, at codon 130 of the COL5A1 protein (p.Leu130Met). This variant is not present in population databases (gnomAD no frequency). This variant has not been reported in the literature in individuals affected with COL5A1-related conditions. Invitae Evidence Modeling of protein sequence and biophysical properties (such as structural, functional, and spatial information, amino acid conservation, physicochemical variation, residue mobility, and thermodynamic stability) indicates that this missense variant is not expected to disrupt COL5A1 protein function with a negative predictive value of 95%. In summary, the available evidence is currently insufficient to determine the role of this variant in disease. Therefore, it has been classified as a Variant of Uncertain Significance.